The following is an entry in ClinVar:

ClinVar aggregate classification (germline): Uncertain significance (1 of 4 stars; one submission).

Submission:

GeneDx
Classification: Uncertain significance. Last evaluated: 2025-02-25. Review status: criteria provided, single submitter. Criteria: GeneDx Variant Classification Process June 2021. Collection method: clinical testing. Allele origin: germline. Affected: yes.
Comment: Not observed at significant frequency in large population cohorts (gnomAD); In silico analysis supports that this missense variant has a deleterious effect on protein structure/function; Has not been previously published as pathogenic or benign to our knowledge; This substitution is predicted to be within the extracellular loop between the S1 and S2 transmembrane segments

NM_172107.4(KCNQ2):c.345C>G (p.Ile115Met)

Gene: KCNQ2 (potassium voltage-gated channel subfamily Q member 2; minus strand). Cytogenetic location: 20q13.33.
Variant type: single nucleotide variant.
Coding change: c.345C>G on transcript NM_172107.4 (MANE Select); coding-DNA position 345, C replaced by G.
Protein change: p.Ile115Met; replaces isoleucine 115 with methionine.
Molecular consequence: missense variant.
Genome position (GRCh38, 1-based): chr20:63,446,789, G>C on the plus strand (C>G on the coding strand, the complement: KCNQ2 is on the minus strand). VCF-style: chr20-63446789-G-C. GRCh37 (hg19) VCF-style: chr20-62078142-G-C.
Other names: c.345C>G, p.Ile115Met (NM_001382235.1, NM_001439003.1, NM_001439004.1 and 4 more transcripts); short protein forms I115M.
Identifiers: ClinVar variation 4076915 (VCV004076915.1).